The following is an entry in ClinVar:

ClinVar aggregate classification (germline): Likely benign. Review status: criteria provided, multiple submitters, no conflicts (2 of 4 stars). 3 submissions from 3 submitters: Likely benign (3). Last evaluated 2025-08-20.

Allele frequency attached by ClinVar (database versions not stated): gnomAD exomes 0.00002; ExAC 0.00008; gnomAD 0.00008; TOPMed 0.00012.
gnomAD v4.1: 43 of 1,614,000 alleles (0.0027%); highest among the groups gnomAD compares: African/African-American, 0.023%; no homozygotes.

Submissions (3):

Labcorp Genetics (formerly Invitae), Labcorp
Classification: Likely benign. Last evaluated: 2025-08-20. Review status: criteria provided, single submitter. Criteria: Invitae Variant Classification Sherloc (09022015). Collection method: clinical testing. Allele origin: germline.

Blueprint Genetics
Classification: Likely benign. Last evaluated: 2024-08-28. Review status: criteria provided, single submitter. Criteria: ACMG Guidelines, 2015. Collection method: clinical testing. Allele origin: germline.

CeGaT Center for Human Genetics Tuebingen
Classification: Likely benign. Last evaluated: 2022-04-01. Review status: criteria provided, single submitter. Criteria: CeGaT Center For Human Genetics Tuebingen Variant Classification Criteria Version 2. Collection method: clinical testing. Allele origin: germline. Affected: yes. Observed: 1 variant allele.
Comment: TRRAP: BP4, BP7

NM_001375524.1(TRRAP):c.11484C>T (p.Ala3828=)

Gene: TRRAP (transformation/transcription domain associated protein; plus strand). Cytogenetic location: 7q22.1.
Variant type: single nucleotide variant.
Coding change: c.11484C>T on transcript NM_001375524.1 (MANE Select); coding-DNA position 11484, C replaced by T.
Protein change: p.Ala3828=; no amino-acid change (alanine 3828 retained).
Molecular consequence: synonymous variant.
Genome position (GRCh38, 1-based): chr7:99,012,217, C>T. VCF-style: chr7-99012217-C-T. GRCh37 (hg19) VCF-style: chr7-98609840-C-T.
Other names: c.11442C>T, p.Ala3814= (NM_001244580.2); c.11355C>T, p.Ala3785= (NM_003496.4).
Identifiers: ClinVar variation 2198740 (VCV002198740.29), dbSNP rs745998903, ClinGen allele CA4362185.